The following is an entry in ClinVar:

ClinVar aggregate classification (germline): Uncertain significance (1 of 4 stars; one submission).

Conditions:
RYR1-related disorder. Also called: RYR1-related condition; RYR1-related disorders. Identifiers: MedGen CN239331.

Submission:

Labcorp Genetics (formerly Invitae), Labcorp
Classification: Uncertain significance for RYR1-related disorder. Last evaluated: 2022-08-02. Review status: criteria provided, single submitter. Criteria: Invitae Variant Classification Sherloc (09022015). Collection method: clinical testing. Allele origin: germline.
Comment: In summary, the available evidence is currently insufficient to determine the role of this variant in disease. Therefore, it has been classified as a Variant of Uncertain Significance. Advanced modeling of protein sequence and biophysical properties (such as structural, functional, and spatial information, amino acid conservation, physicochemical variation, residue mobility, and thermodynamic stability) performed at Invitae indicates that this missense variant is expected to disrupt RYR1 protein function. This variant has not been reported in the literature in individuals affected with RYR1-related conditions. This variant is not present in population databases (gnomAD no frequency). This sequence change replaces leucine, which is neutral and non-polar, with serine, which is neutral and polar, at codon 4930 of the RYR1 protein (p.Leu4930Ser).

NM_000540.3(RYR1):c.14789T>C (p.Leu4930Ser)

Gene: RYR1 (ryanodine receptor 1; plus strand). Cytogenetic location: 19q13.2.
Variant type: single nucleotide variant.
Coding change: c.14789T>C on transcript NM_000540.3 (MANE Select); coding-DNA position 14789, T replaced by C.
Protein change: p.Leu4930Ser; replaces leucine 4930 with serine.
Molecular consequence: missense variant.
Genome position (GRCh38, 1-based): chr19:38,585,085, T>C. VCF-style: chr19-38585085-T-C. GRCh37 (hg19) VCF-style: chr19-39075725-T-C.
Other names: c.14774T>C, p.Leu4925Ser (NM_001042723.2); short protein forms L4925S, L4930S.
Identifiers: ClinVar variation 1714795 (VCV001714795.5), dbSNP rs2514773829, ClinGen allele CA405691130.